The following is an entry in ClinVar:

ClinVar aggregate classification (germline): Uncertain significance (1 of 4 stars; one submission).

Submission:

Labcorp Genetics (formerly Invitae), Labcorp
Classification: Uncertain significance. Last evaluated: 2024-05-06. Review status: criteria provided, single submitter. Criteria: Invitae Variant Classification Sherloc (09022015). Collection method: clinical testing. Allele origin: germline.
Comment: This sequence change replaces glycine, which is neutral and non-polar, with aspartic acid, which is acidic and polar, at codon 64 of the PLS3 protein (p.Gly64Asp). This variant is not present in population databases (gnomAD no frequency). This variant has not been reported in the literature in individuals affected with PLS3-related conditions. Advanced modeling of protein sequence and biophysical properties (such as structural, functional, and spatial information, amino acid conservation, physicochemical variation, residue mobility, and thermodynamic stability) performed at Invitae indicates that this missense variant is not expected to disrupt PLS3 protein function with a negative predictive value of 80%. In summary, the available evidence is currently insufficient to determine the role of this variant in disease. Therefore, it has been classified as a Variant of Uncertain Significance.

NM_005032.7(PLS3):c.191G>A (p.Gly64Asp)

Gene: PLS3 (plastin 3; plus strand). Cytogenetic location: Xq23.
Variant type: single nucleotide variant.
Coding change: c.191G>A on transcript NM_005032.7 (MANE Select); coding-DNA position 191, G replaced by A.
Protein change: p.Gly64Asp; replaces glycine 64 with aspartic acid.
Molecular consequence: missense variant. On other transcripts: intron variant (1).
Genome position (GRCh38, 1-based): chrX:115,622,363, G>A. VCF-style: chrX-115622363-G-A. GRCh37 (hg19) VCF-style: chrX-114856675-G-A.
Other names: c.191G>A, p.Gly64Asp (NM_001136025.5); c.125G>A, p.Gly42Asp (NM_001282337.2); c.56G>A, p.Gly19Asp (NM_001282338.2); c.156+35G>A (NM_001172335.3); short protein forms G42D, G19D, G64D.
Identifiers: ClinVar variation 2983390 (VCV002983390.3), dbSNP rs2521363996, ClinGen allele CA414331594.